The following is an entry in ClinVar:

NM_003036.4(SKI):c.1342A>T (p.Thr448Ser)

Gene: SKI (SKI proto-oncogene; plus strand). Cytogenetic location: 1p36.32.
Variant type: single nucleotide variant.
Coding change: c.1342A>T on transcript NM_003036.4 (MANE Select); coding-DNA position 1342, A replaced by T.
Protein change: p.Thr448Ser; replaces threonine 448 with serine.
Molecular consequence: missense variant.
Genome position (GRCh38, 1-based): chr1:2,303,970, A>T. VCF-style: chr1-2303970-A-T. GRCh37 (hg19) VCF-style: chr1-2235409-A-T.
Other names: short protein forms T448S.
Identifiers: ClinVar variation 3954885 (VCV003954885.1).

ClinVar aggregate classification (germline): Uncertain significance (1 of 4 stars; one submission).

Conditions:
Familial thoracic aortic aneurysm and aortic dissection (TAAD). Also called: Thoracic aortic aneurysms and dissections. Identifiers: Orphanet 91387, MedGen C4707243, MONDO:0019625.

Submission:

Ambry Genetics
Classification: Uncertain significance for Familial thoracic aortic aneurysm and aortic dissection. Last evaluated: 2025-04-13. Review status: criteria provided, single submitter. Criteria: Ambry Variant Classification Scheme 2023. Collection method: clinical testing. Allele origin: germline.
Comment: The p.T448S variant (also known as c.1342A>T), located in coding exon 4 of the SKI gene, results from an A to T substitution at nucleotide position 1342. The threonine at codon 448 is replaced by serine, an amino acid with similar properties. This amino acid position is conserved. In addition, this alteration is predicted to be tolerated by in silico analysis. Based on the available evidence, the clinical significance of this variant remains unclear.